The following is an entry in ClinVar:

ClinVar aggregate classification (germline): Benign (1 of 4 stars; one submission).

Submission:

GeneDx
Classification: Benign. Last evaluated: 2018-06-14. Review status: criteria provided, single submitter. Criteria: GeneDx Variant Classification (06012015). Collection method: clinical testing. Allele origin: germline. Affected: yes.
Comment: This variant is considered likely benign or benign based on one or more of the following criteria: it is a conservative change, it occurs at a poorly conserved position in the protein, it is predicted to be benign by multiple in silico algorithms, and/or has population frequency not consistent with disease.

NM_022464.5(SIL1):c.105+225GAT[3]

Gene: SIL1 (SIL1 nucleotide exchange factor; minus strand). Cytogenetic location: 5q31.2.
Variant type: Microsatellite.
Coding change: c.105+225GAT[3] on transcript NM_022464.5 (MANE Select); three copies in a row of the 3-base unit GAT starting at c.105+225; the reference has four copies in a row; one copy, 3 bases deleted.
Molecular consequence: intron variant.
Genome position (GRCh38, 1-based): chr5:139,127,503-139,127,505, ATC deleted on the plus strand (GAT on the coding strand, the reverse complement: SIL1 is on the minus strand); deleting any 3 consecutive bases within chr5:139,127,503-139,127,516 gives the same sequence; the position shown is the placement nearest the transcript's 3' end. VCF-style (leftmost placement, unchanged base first): chr5-139127502-TATC-T. GRCh37 (hg19) VCF-style: chr5-138463191-TATC-T.
Other names: c.105+225GAT[3] (NM_001037633.2).
Identifiers: ClinVar variation 670078 (VCV000670078.1), dbSNP rs147174974, ClinGen allele CA128724524.